The following is an entry in ClinVar:

NM_001040108.2(MLH3):c.3571G>A (p.Val1191Ile)

Gene: MLH3 (mutL homolog 3; minus strand). Cytogenetic location: 14q24.3.
Variant type: single nucleotide variant.
Coding change: c.3571G>A on transcript NM_001040108.2 (MANE Select); coding-DNA position 3571, G replaced by A.
Protein change: p.Val1191Ile; replaces valine 1191 with isoleucine.
Molecular consequence: missense variant.
Genome position (GRCh38, 1-based): chr14:75,038,412, C>T on the plus strand (G>A on the coding strand, the complement: MLH3 is on the minus strand). VCF-style: chr14-75038412-C-T. GRCh37 (hg19) VCF-style: chr14-75505115-C-T.
Other names: c.3571G>A, p.Val1191Ile (NM_014381.3); short protein forms V1191I.
Identifiers: ClinVar variation 1732805 (VCV001732805.2), dbSNP rs1420496802, ClinGen allele CA390427346.

ClinVar aggregate classification (germline): Uncertain significance (1 of 4 stars; one submission).

Submission:

Ambry Genetics
Classification: Uncertain significance. Last evaluated: 2022-01-29. Review status: criteria provided, single submitter. Criteria: Ambry Variant Classification Scheme 2023. Collection method: clinical testing. Allele origin: germline.
Comment: The p.V1191I variant (also known as c.3571G>A) is located in coding exon 5 of the MLH3 gene. The valine at codon 1191 is replaced by isoleucine, an amino acid with highly similar properties. This change occurs in the first base pair of coding exon 5. This amino acid position is conserved. In addition, the in silico prediction for this alteration is inconclusive. Since supporting evidence is limited at this time, the clinical significance of this alteration remains unclear.